The following is an entry in ClinVar:

NM_001100913.3(PACS2):c.1991A>G (p.Lys664Arg)

Gene: PACS2 (phosphofurin acidic cluster sorting protein 2; plus strand). Cytogenetic location: 14q32.33.
Variant type: single nucleotide variant.
Coding change: c.1991A>G on transcript NM_001100913.3 (MANE Select); coding-DNA position 1991, A replaced by G.
Protein change: p.Lys664Arg; replaces lysine 664 with arginine.
Molecular consequence: missense variant.
Genome position (GRCh38, 1-based): chr14:105,384,978, A>G. VCF-style: chr14-105384978-A-G. GRCh37 (hg19) VCF-style: chr14-105851315-A-G.
Other names: c.1754A>G, p.Lys585Arg (NM_001243127.3); c.1979A>G, p.Lys660Arg (NM_015197.4); short protein forms K585R, K660R, K664R.
Identifiers: ClinVar variation 1718999 (VCV001718999.5), dbSNP rs2544834659, ClinGen allele CA391184431.

ClinVar aggregate classification (germline): Uncertain significance (1 of 4 stars; one submission).

Allele frequency attached by ClinVar (database versions not stated): gnomAD exomes below 0.00001.
gnomAD v4.1: 1 of 1,574,420 alleles (0.000064%); highest among the groups gnomAD compares: Non-Finnish European, 0.000086%; no homozygotes.

Submission:

Labcorp Genetics (formerly Invitae), Labcorp
Classification: Uncertain significance. Last evaluated: 2022-07-19. Review status: criteria provided, single submitter. Criteria: Invitae Variant Classification Sherloc (09022015). Collection method: clinical testing. Allele origin: germline.
Comment: This sequence change replaces lysine, which is basic and polar, with arginine, which is basic and polar, at codon 664 of the PACS2 protein (p.Lys664Arg). This variant is not present in population databases (gnomAD no frequency). This variant has not been reported in the literature in individuals affected with PACS2-related conditions. Algorithms developed to predict the effect of missense changes on protein structure and function output the following: SIFT: "Tolerated"; PolyPhen-2: "Benign"; Align-GVGD: "Class C0". The arginine amino acid residue is found in multiple mammalian species, which suggests that this missense change does not adversely affect protein function. In summary, the available evidence is currently insufficient to determine the role of this variant in disease. Therefore, it has been classified as a Variant of Uncertain Significance.